The following is an entry in ClinVar:

NM_025144.4(ALPK1):c.1804G>A (p.Val602Ile)

Gene: ALPK1 (alpha kinase 1; plus strand). Cytogenetic location: 4q25.
Variant type: single nucleotide variant.
Coding change: c.1804G>A on transcript NM_025144.4 (MANE Select); coding-DNA position 1804, G replaced by A.
Protein change: p.Val602Ile; replaces valine 602 with isoleucine.
Molecular consequence: missense variant.
Genome position (GRCh38, 1-based): chr4:112,431,351, G>A. VCF-style: chr4-112431351-G-A. GRCh37 (hg19) VCF-style: chr4-113352507-G-A.
Other names: c.1804G>A, p.Val602Ile (NM_001102406.2); c.1570G>A, p.Val524Ile (NM_001253884.2); short protein forms V602I, V524I.
Identifiers: ClinVar variation 1940606 (VCV001940606.5), dbSNP rs147228808, ClinGen allele CA3046800.

ClinVar aggregate classification (germline): Uncertain significance (1 of 4 stars; one submission).

Allele frequency attached by ClinVar (database versions not stated): ExAC 0.00006; gnomAD 0.00006; TOPMed 0.00008; ESP Exome Variant Server 0.00023.
gnomAD v4.1: 52 of 1,614,072 alleles (0.0032%); highest among the groups gnomAD compares: African/African-American, 0.017%; no homozygotes.

Submission:

Labcorp Genetics (formerly Invitae), Labcorp
Classification: Uncertain significance. Last evaluated: 2025-11-24. Review status: criteria provided, single submitter. Criteria: Invitae Variant Classification Sherloc (09022015). Collection method: clinical testing. Allele origin: germline.
Comment: This sequence change replaces valine, which is neutral and non-polar, with isoleucine, which is neutral and non-polar, at codon 602 of the ALPK1 protein (p.Val602Ile). This variant is present in population databases (rs147228808, gnomAD 0.02%). This variant has not been reported in the literature in individuals affected with ALPK1-related conditions. ClinVar contains an entry for this variant (Variation ID: 1940606). Invitae Evidence Modeling of protein sequence and biophysical properties (such as structural, functional, and spatial information, amino acid conservation, physicochemical variation, residue mobility, and thermodynamic stability) indicates that this missense variant is not expected to disrupt ALPK1 protein function with a negative predictive value of 80%. In summary, the available evidence is currently insufficient to determine the role of this variant in disease. Therefore, it has been classified as a Variant of Uncertain Significance.